The following is an entry in ClinVar:

NM_000091.5(COL4A3):c.1114G>C (p.Gly372Arg)

Genes: COL4A3 (collagen type IV alpha 3 chain; plus strand), MFF-DT (MFF divergent transcript; minus strand). Cytogenetic location: 2q36.3.
Variant type: single nucleotide variant.
Coding change: c.1114G>C on transcript NM_000091.5 (MANE Select); coding-DNA position 1114, G replaced by C.
Protein change: p.Gly372Arg; replaces glycine 372 with arginine.
Molecular consequence: missense variant.
Genome position (GRCh38, 1-based): chr2:227,259,877, G>C. VCF-style: chr2-227259877-G-C. GRCh37 (hg19) VCF-style: chr2-228124593-G-C.
Other names: short protein forms G372R.
Identifiers: ClinVar variation 4817135 (VCV004817135.1).

ClinVar aggregate classification (germline): Likely pathogenic (1 of 4 stars; one submission).

Conditions:
Alport syndrome. Also called: Hemorrhagic familial nephritis; Hemorrhagic hereditary nephritis; Congenital hereditary hematuria. Identifiers: Orphanet 63, MedGen C1567741, MONDO:0018965.

Submission:

Natera, Inc.
Classification: Likely pathogenic for Alport syndrome. Last evaluated: 2025-01-23. Review status: criteria provided, single submitter. Criteria: Natera Variant Classification Schema (03/2026). Collection method: clinical testing. Allele origin: germline.
Comment: The c.1114G>C variant in COL4A3 is a missense variant predicted to cause substitution of glycine to arginine at amino acid 372. This variant is rare in the general population with a frequency below the threshold expected for the associated phenotype(s). This variant has been observed in one or more individuals affected with the associated recessive disease, as either homozygous or compound heterozygous with a second variant (PMID: 25307543). This variant is located in a functionally critical region of the protein. Computational prediction algorithms indicate this variant is likely to affect gene or protein function. Given the available evidence, this variant is classified as Likely Pathogenic.

Literature cited by the submitters: PubMed 25307543.